The following is an entry in ClinVar:

NM_173630.4(RTTN):c.398-1G>T

Gene: RTTN (rotatin; minus strand). Cytogenetic location: 18q22.2.
Variant type: single nucleotide variant.
Coding change: c.398-1G>T on transcript NM_173630.4 (MANE Select); the canonical splice acceptor site of the intron before coding-DNA position 398, G replaced by T.
Molecular consequence: splice acceptor variant.
Genome position (GRCh38, 1-based): chr18:70,201,984, C>A on the plus strand (G>T on the coding strand, the complement: RTTN is on the minus strand). VCF-style: chr18-70201984-C-A. GRCh37 (hg19) VCF-style: chr18-67869220-C-A.
Other names: c.-2156-1G>T (NM_001318520.2).
Identifiers: ClinVar variation 2627342 (VCV002627342.4), dbSNP rs1319106571, ClinGen allele CA402700723.

ClinVar aggregate classification (germline): Likely pathogenic. Review status: criteria provided, multiple submitters, no conflicts (2 of 4 stars). 2 submissions from 2 submitters: Likely pathogenic (2). Last evaluated 2024-04-26.

Conditions:
Microcephalic primordial dwarfism due to RTTN deficiency (MSSP). Also called: MICROCEPHALY, SHORT STATURE, AND POLYMICROGYRIA; Microcephaly, short stature, and polymicrogyria with or without seizures. Identifiers: Orphanet 468631, MedGen C3553831, MONDO:0018764, OMIM 614833.

Allele frequency attached by ClinVar (database versions not stated): gnomAD exomes below 0.00001; gnomAD 0.00001; TOPMed 0.00002.
gnomAD v4.1: 4 of 1,567,402 alleles (0.00026%); highest among the groups gnomAD compares: African/African-American, 0.0054%; no homozygotes.

Submissions (2):

Labcorp Genetics (formerly Invitae), Labcorp
Classification: Likely pathogenic. Last evaluated: 2024-04-26. Review status: criteria provided, single submitter. Criteria: Invitae Variant Classification Sherloc (09022015). Collection method: clinical testing. Allele origin: germline.
Comment: This sequence change affects an acceptor splice site in intron 3 of the RTTN gene. It is expected to disrupt RNA splicing. Variants that disrupt the donor or acceptor splice site typically lead to a loss of protein function (PMID: 16199547), and loss-of-function variants in RTTN are known to be pathogenic (PMID: 26608784, 26846091). This variant is not present in population databases (gnomAD no frequency). This variant has not been reported in the literature in individuals affected with RTTN-related conditions. ClinVar contains an entry for this variant (Variation ID: 2627342). Algorithms developed to predict the effect of sequence changes on RNA splicing suggest that this variant may disrupt the consensus splice site. In summary, the currently available evidence indicates that the variant is pathogenic, but additional data are needed to prove that conclusively. Therefore, this variant has been classified as Likely Pathogenic.

Women's Health and Genetics/Laboratory Corporation of America, LabCorp
Classification: Likely pathogenic for Microcephalic primordial dwarfism due to RTTN deficiency. Last evaluated: 2023-09-27. Review status: criteria provided, single submitter. Criteria: LabCorp Variant Classification Summary - May 2015. Collection method: clinical testing. Allele origin: germline.
Comment: Variant summary: RTTN c.398-1G>T is located in a canonical splice-site and is predicted to affect mRNA splicing resulting in a significantly altered protein due to either exon skipping, shortening, or inclusion of intronic material. Several computational tools predict a significant impact on normal splicing: Four predict the variant abolishes a canonical 3' acceptor site. However, these predictions have yet to be confirmed by functional studies. The variant was absent in 247040 control chromosomes (gnomAD). To our knowledge, no occurrence of c.398-1G>T in individuals affected with Microcephalic Primordial Dwarfism Due To RTTN Deficiency and no experimental evidence demonstrating its impact on protein function have been reported. No submitters have cited clinical-significance assessments for this variant to ClinVar after 2014. Based on the evidence outlined above, the variant was classified as likely pathogenic.

Literature cited by the submitters: PubMed 16199547 (cited by Labcorp Genetics (formerly Invitae), Labcorp); PubMed 26608784 (cited by Labcorp Genetics (formerly Invitae), Labcorp); PubMed 26846091 (cited by Labcorp Genetics (formerly Invitae), Labcorp).